The following is an entry in ClinVar:

NM_005035.4(POLRMT):c.757C>T (p.Arg253Trp)

Gene: POLRMT (RNA polymerase mitochondrial; minus strand). Cytogenetic location: 19p13.3.
Variant type: single nucleotide variant.
Coding change: c.757C>T on transcript NM_005035.4 (MANE Select); coding-DNA position 757, C replaced by T.
Protein change: p.Arg253Trp; replaces arginine 253 with tryptophan.
Molecular consequence: missense variant. On other transcripts: non-coding transcript variant (1).
Genome position (GRCh38, 1-based): chr19:629,605, G>A on the plus strand (C>T on the coding strand, the complement: POLRMT is on the minus strand). VCF-style: chr19-629605-G-A. GRCh37 (hg19) VCF-style: chr19-629605-G-A.
Other names: c.433C>T, p.Arg145Trp (NM_001407834.1, NM_001407835.1, NM_001407836.1 and 2 more transcripts); c.757C>T, p.Arg253Trp (NM_001407805.1, NM_001407806.1, NM_001407807.1 and 12 more transcripts); short protein forms R145W, R253W.
Identifiers: ClinVar variation 2582470 (VCV002582470.25), dbSNP rs145312875, ClinGen allele CA9020642.

ClinVar aggregate classification (germline): Conflicting classifications of pathogenicity. Review status: criteria provided, conflicting classifications (1 of 4 stars). 2 submissions from 2 submitters: Uncertain significance (1); Likely benign (1). Last evaluated 2025-12-01.

Conditions:
Combined oxidative phosphorylation deficiency 55 (COXPD55). Identifiers: MedGen C5676915, MONDO:0859228, OMIM 619743.

Allele frequency attached by ClinVar (database versions not stated): ESP Exome Variant Server 0.00023; gnomAD exomes 0.00025; gnomAD 0.00033; TOPMed 0.00039; ExAC 0.00046; 1000 Genomes Project 30x 0.00109; 1000 Genomes Project 0.00140.

Submissions (2):

CeGaT Center for Human Genetics Tuebingen
Classification: Likely benign. Last evaluated: 2025-12-01. Review status: criteria provided, single submitter. Criteria: CeGaT Center For Human Genetics Tuebingen Variant Classification Criteria Version 2. Collection method: clinical testing. Allele origin: germline. Affected: yes. Observed: 2 variant alleles.
Comment: POLRMT: BP4

Baylor Genetics
Classification: Uncertain significance for Combined oxidative phosphorylation deficiency 55. Last evaluated: 2023-06-22. Review status: criteria provided, single submitter. Criteria: ACMG Guidelines, 2015. Collection method: clinical testing. Allele origin: unknown.